The following is an entry in ClinVar:

NM_001110556.2(FLNA):c.6379+5dup

Gene: FLNA (filamin A; minus strand). Cytogenetic location: Xq28.
Variant type: Duplication.
Coding change: c.6379+5dup on transcript NM_001110556.2 (MANE Select); 5 bases into the intron after coding-DNA position 6379, one base duplicated (G; older notation c.6379+5dupG).
Molecular consequence: intron variant.
Genome position (GRCh38, 1-based): chrX:154,352,767, C duplicated on the plus strand (G on the coding strand, the reverse complement: FLNA is on the minus strand). VCF-style (leftmost placement, unchanged base first): chrX-154352766-A-AC. GRCh37 (hg19) VCF-style: chrX-153581134-A-AC.
Other names: c.6355+5dup (NM_001456.4).
Identifiers: ClinVar variation 3752916 (VCV003752916.2).

ClinVar aggregate classification (germline): Uncertain significance (1 of 4 stars; one submission).

Conditions:
Melnick-Needles syndrome (MNS). Also called: MELNICK-NEEDLES OSTEODYSPLASTY; OSTEODYSPLASTY OF MELNICK AND NEEDLES; Melnick-Needles Syndrome (FLNA-MNS). Identifiers: Orphanet 2484, MedGen C0025237, MONDO:0010650, OMIM 309350.
Frontometaphyseal dysplasia (FMD1). Identifiers: Orphanet 1826, MedGen C0265293, MONDO:0015942.
Heterotopia, periventricular, X-linked dominant (PVNH1). Also called: PERIVENTRICULAR NODULAR HETEROTOPIA 1; X-linked periventricular heterotopia; PERIVENTRICULAR NODULAR HETEROTOPIA 4; HETEROTOPIA, PERIVENTRICULAR, 1. Identifiers: Orphanet 2149, Orphanet 82004, MedGen C1848213, MONDO:0010233, OMIM 300049.
Oto-palato-digital syndrome, type II (OPD2). Also called: FACIOPALATOOSSEOUS SYNDROME; OPD II SYNDROME; Otopalatodigital Syndrome, Type II; Otopalatodigital Syndrome Type 2 (FLNA-OPD2). Identifiers: Orphanet 669, Orphanet 90652, MedGen C1844696, MONDO:0010571, OMIM 304120.

Submission:

Labcorp Genetics (formerly Invitae), Labcorp
Classification: Uncertain significance for Oto-palato-digital syndrome, type II; Heterotopia, periventricular, X-linked dominant; Frontometaphyseal dysplasia; Melnick-Needles syndrome. Last evaluated: 2024-04-24. Review status: criteria provided, single submitter. Criteria: Invitae Variant Classification Sherloc (09022015). Collection method: clinical testing. Allele origin: germline.
Comment: This sequence change falls in intron 38 of the FLNA gene. It does not directly change the encoded amino acid sequence of the FLNA protein. This variant is not present in population databases (gnomAD no frequency). This variant has not been reported in the literature in individuals affected with FLNA-related conditions. Algorithms developed to predict the effect of sequence changes on RNA splicing suggest that this variant may disrupt the consensus splice site. In summary, the available evidence is currently insufficient to determine the role of this variant in disease. Therefore, it has been classified as a Variant of Uncertain Significance.